The following is an entry in ClinVar:

ClinVar aggregate classification (germline): Uncertain significance (1 of 4 stars; one submission).

gnomAD v4.1: 1 of 1,614,212 alleles (0.000062%); highest among the groups gnomAD compares: Non-Finnish European, 0.000085%; no homozygotes.

Submission:

Ambry Genetics
Classification: Uncertain significance. Last evaluated: 2024-02-28. Review status: criteria provided, single submitter. Criteria: Ambry Variant Classification Scheme 2023. Collection method: clinical testing. Allele origin: germline.
Comment: The p.D130A variant (also known as c.389A>C), located in coding exon 5 of the RAD54L gene, results from an A to C substitution at nucleotide position 389. The aspartic acid at codon 130 is replaced by alanine, an amino acid with dissimilar properties. This amino acid position is conserved. In addition, the in silico prediction for this alteration is inconclusive. Based on the available evidence, the clinical significance of this alteration remains unclear.

NM_003579.4(RAD54L):c.389A>C (p.Asp130Ala)

Gene: RAD54L (RAD54 like; plus strand). Cytogenetic location: 1p34.1.
Variant type: single nucleotide variant.
Coding change: c.389A>C on transcript NM_003579.4 (MANE Select); coding-DNA position 389, A replaced by C.
Protein change: p.Asp130Ala; replaces aspartic acid 130 with alanine.
Molecular consequence: missense variant. On other transcripts: 5 prime UTR variant (1).
Genome position (GRCh38, 1-based): chr1:46,260,081, A>C. VCF-style: chr1-46260081-A-C. GRCh37 (hg19) VCF-style: chr1-46725753-A-C.
Other names: c.389A>C, p.Asp130Ala (NM_001142548.2); c.-152A>C (NM_001370766.1); short protein forms D130A.
Identifiers: ClinVar variation 3223441 (VCV003223441.1), dbSNP rs1569579371, ClinGen allele CA340182745.